The following is an entry in ClinVar:

ClinVar aggregate classification (germline): Uncertain significance. Review status: criteria provided, multiple submitters, no conflicts (2 of 4 stars). 2 submissions from 2 submitters: Uncertain significance (2). Last evaluated 2021-01-22.

Conditions:
Hereditary cancer-predisposing syndrome. Also called: Hereditary neoplastic syndrome; Neoplastic Syndromes, Hereditary; Tumor predisposition; Hereditary Cancer Syndrome. Identifiers: Orphanet 140162, MedGen C0027672, MeSH D009386, MONDO:0015356.

Submissions (2):

Ambry Genetics
Classification: Uncertain significance for Hereditary cancer-predisposing syndrome. Last evaluated: 2021-01-22. Review status: criteria provided, single submitter. Criteria: Ambry Variant Classification Scheme 2023. Collection method: clinical testing. Allele origin: germline.
Comment: The c.3716_3731del16 variant, located in coding exon 19 of the BRIP1 gene, results from a deletion of 16 nucleotides at nucleotide positions 3716 to 3731, causing a translational frameshift with a predicted alternate stop codon (p.S1239Cfs*10). This alteration occurs at the 3' terminus of theBRIP1 gene, is not expected to trigger nonsense-mediated mRNAdecay, and only impacts the last 11 amino acids of the protein. The exact functional effect of this alteration is unknown. Since supporting evidence is limited at this time, the clinical significance of this alteration remains unclear.

GeneDx
Classification: Uncertain significance. Last evaluated: 2019-09-17. Review status: criteria provided, single submitter. Criteria: GeneDx Variant Classification Process June 2021. Collection method: clinical testing. Allele origin: germline. Affected: yes.
Comment: Not observed in large population cohorts (Lek 2016); Frameshift variant predicted to result in protein truncation as the last 11 amino acids are lost and replaced with 9 incorrect amino acids, although loss-of-function variants have not been reported downstream of this position in the protein; Has not been previously published as pathogenic or benign to our knowledge

NM_032043.3(BRIP1):c.3716_3731del (p.Ser1239fs)

Gene: BRIP1 (BRCA1 interacting DNA helicase 1; minus strand). Cytogenetic location: 17q23.2.
Variant type: Deletion.
Coding change: c.3716_3731del on transcript NM_032043.3 (MANE Select); coding-DNA positions 3716 to 3731, 16 bases deleted (CCAAAAATAAAGGCAT).
Protein change: p.Ser1239fs; shifts the reading frame from serine 1239.
Molecular consequence: frameshift variant.
Genome position (GRCh38, 1-based): chr17:61,683,315-61,683,330, ATGCCTTTATTTTTGG deleted on the plus strand (CCAAAAATAAAGGCAT on the coding strand, the reverse complement: BRIP1 is on the minus strand); deleting any 16 consecutive bases within chr17:61,683,315-61,683,331 gives the same sequence; the c. name uses the placement nearest the transcript's 3' end. VCF-style (leftmost placement, unchanged base first): chr17-61683314-CATGCCTTTATTTTTGG-C. GRCh37 (hg19) VCF-style: chr17-59760675-CATGCCTTTATTTTTGG-C.
Other names: c.3716_3731del16 (NM_032043.2); short protein forms S1239fs.
Identifiers: ClinVar variation 1320978 (VCV001320978.4), dbSNP rs2061295791, ClinGen allele CA2269130736.